The following is an entry in ClinVar:

NM_001356.5(DDX3X):c.773del (p.Gly258fs)

Gene: DDX3X (DEAD-box helicase 3 X-linked; plus strand). Cytogenetic location: Xp11.4.
Variant type: Deletion.
Coding change: c.773del on transcript NM_001356.5 (MANE Select); coding-DNA position 773, one base deleted (G; older notation c.773delG).
Protein change: p.Gly258fs; shifts the reading frame from glycine 258.
Molecular consequence: frameshift variant. On other transcripts: non-coding transcript variant (1).
Genome position (GRCh38, 1-based): chrX:41,344,037, G deleted; the last of 2 consecutive G bases (chrX:41,344,036-41,344,037); deleting either gives the same sequence. VCF-style (leftmost placement, unchanged base first): chrX-41344035-TG-T. GRCh37 (hg19) VCF-style: chrX-41203288-TG-T.
Other names: c.773del, p.Gly258fs (NM_001193416.3); c.725del, p.Gly242fs (NM_001193417.3); c.215del, p.Gly72fs (NM_001363819.1); short protein forms G242fs, G258fs, G72fs.
Identifiers: ClinVar variation 3344331 (VCV003344331.1).

ClinVar aggregate classification (germline): Pathogenic (0 of 4 stars; one submission).

Conditions:
DDX3X-related disorder. Also called: DDX3X-related condition.

Submission:

PreventionGenetics, part of Exact Sciences
Classification: Pathogenic for DDX3X-related condition. Last evaluated: 2024-06-24. Review status: no assertion criteria provided. Collection method: clinical testing. Allele origin: germline.
Comment: The DDX3X c.773delG variant is predicted to result in a frameshift and premature protein termination (p.Gly258Glufs*15). To our knowledge, this variant has not been reported in the literature or in a large population database, indicating this variant is rare. Frameshift variants in DDX3X are expected to be pathogenic. This variant is interpreted as pathogenic.